The following is an entry in ClinVar:

ClinVar aggregate classification (germline): Benign/Likely benign. Review status: criteria provided, multiple submitters, no conflicts (2 of 4 stars). 3 submissions from 3 submitters: Benign (1); Likely benign (2). Last evaluated 2026-07-30.

Conditions:
Hereditary pheochromocytoma and paraganglioma. Also called: Hereditary Paraganglioma-Pheochromocytoma Syndromes; Hereditary paragangliomas and pheochromocytomas; Hereditary pheochromocytoma-paraganglioma. Identifiers: Orphanet 29072, MedGen C4274332, MONDO:0017366.
Hereditary cancer-predisposing syndrome. Also called: Hereditary Cancer Syndrome; Hereditary neoplastic syndrome; Neoplastic Syndromes, Hereditary; Tumor predisposition. Identifiers: Orphanet 140162, MedGen C0027672, MeSH D009386, MONDO:0015356.

Allele frequency attached by ClinVar (database versions not stated): TOPMed 0.00002; 1000 Genomes Project 0.00020; gnomAD 0.00001 and 0.00002; 1000 Genomes Project 30x 0.00016; gnomAD exomes 0.00001; ExAC 0.00002.
gnomAD v4.1: 20 of 1,613,952 alleles (0.0012%); highest among the groups gnomAD compares: Admixed American, 0.005%; no homozygotes.

Submissions (3):

Myriad Genetics, Inc.
Classification: Benign for Hereditary pheochromocytoma and paraganglioma. Last evaluated: 2026-07-30. Review status: criteria provided, single submitter. Criteria: Myriad Autosomal Dominant, Autosomal Recessive and X-Linked Classification Criteria (2023). Collection method: clinical testing. Allele origin: unknown.
Comment: This variant is considered benign. This variant is a silent/synonymous amino acid change and it is not expected to impact splicing.

Labcorp Genetics (formerly Invitae), Labcorp
Classification: Likely benign for Hereditary pheochromocytoma and paraganglioma. Last evaluated: 2025-12-08. Review status: criteria provided, single submitter. Criteria: Invitae Variant Classification Sherloc (09022015). Collection method: clinical testing. Allele origin: germline.

Ambry Genetics
Classification: Likely benign for Hereditary cancer-predisposing syndrome. Last evaluated: 2016-04-14. Review status: criteria provided, single submitter. Criteria: Ambry Variant Classification Scheme 2023. Collection method: clinical testing. Allele origin: germline.

NM_017849.4(TMEM127):c.663G>A (p.Pro221=)

Gene: TMEM127 (transmembrane protein 127; minus strand). Cytogenetic location: 2q11.2.
Variant type: single nucleotide variant.
Coding change: c.663G>A on transcript NM_017849.4 (MANE Select); coding-DNA position 663, G replaced by A.
Protein change: p.Pro221=; no amino-acid change (proline 221 retained).
Molecular consequence: synonymous variant.
Genome position (GRCh38, 1-based): chr2:96,253,862, C>T on the plus strand (G>A on the coding strand, the complement: TMEM127 is on the minus strand). VCF-style: chr2-96253862-C-T. GRCh37 (hg19) VCF-style: chr2-96919600-C-T.
Other names: c.663G>A, p.Pro221= (NM_001193304.3).
Identifiers: ClinVar variation 463855 (VCV000463855.16), dbSNP rs377760956, ClinGen allele CA1777262.
Genomic context (GRCh38, chr2:96,253,862, plus strand): 5'-CTGGCATTAGGGTGTGTAAGCAGGGGGTGGCTGGAACTGGTTGATGACCTCATATTCCGC[C>T]GGGTAGGGCTCGTTCTCTTCCATCTCTGAGAGCAGCTCCAGCGCCTGCTCCTCTTCCTCT-3'
Protein context (NP_060319.1, residues 211-231): LSEMEENEPY[Pro221=]AEYEVINQFQ